The following is an entry in ClinVar:

ClinVar aggregate classification (germline): Uncertain significance (1 of 4 stars; one submission).

Submission:

Labcorp Genetics (formerly Invitae), Labcorp
Classification: Uncertain significance. Last evaluated: 2023-08-23. Review status: criteria provided, single submitter. Criteria: Invitae Variant Classification Sherloc (09022015). Collection method: clinical testing. Allele origin: germline.
Comment: In summary, the available evidence is currently insufficient to determine the role of this variant in disease. Therefore, it has been classified as a Variant of Uncertain Significance. Experimental studies and prediction algorithms are not available or were not evaluated, and the functional significance of this variant is currently unknown. This variant has not been reported in the literature in individuals affected with GALNT12-related conditions. This variant is not present in population databases (gnomAD no frequency). This sequence change replaces arginine, which is basic and polar, with proline, which is neutral and non-polar, at codon 16 of the GALNT12 protein (p.Arg16Pro).

NM_024642.5(GALNT12):c.47G>C (p.Arg16Pro)

Genes: GALNT12 (polypeptide N-acetylgalactosaminyltransferase 12; plus strand), LOC130002222 (ATAC-STARR-seq lymphoblastoid silent region 20123; plus strand). Cytogenetic location: 9q22.33.
Variant type: single nucleotide variant.
Coding change: c.47G>C on transcript NM_024642.5 (MANE Select); coding-DNA position 47, G replaced by C.
Protein change: p.Arg16Pro; replaces arginine 16 with proline.
Molecular consequence: missense variant.
Genome position (GRCh38, 1-based): chr9:98,807,745, G>C. VCF-style: chr9-98807745-G-C. GRCh37 (hg19) VCF-style: chr9-101570027-G-C.
Other names: short protein forms R16P.
Identifiers: ClinVar variation 2754591 (VCV002754591.3), dbSNP rs2118255151, ClinGen allele CA374222114.